The following is an entry in ClinVar:

NC_000007.13:g.(?_6017209)_(6017398_?)dup

Gene: PMS2 (PMS1 homolog 2, mismatch repair system component; minus strand). Cytogenetic location: 7p22.1.
Variant type: Duplication.
Identifiers: ClinVar variation 1041300 (VCV001041300.2).

ClinVar aggregate classification (germline): Uncertain significance (1 of 4 stars; one submission).

Conditions:
Hereditary nonpolyposis colorectal neoplasms. Identifiers: MedGen C0009405, MeSH D003123.

Submission:

Labcorp Genetics (formerly Invitae), Labcorp
Classification: Uncertain significance for Hereditary nonpolyposis colorectal neoplasms. Last evaluated: 2020-02-14. Review status: criteria provided, single submitter. Criteria: Invitae Variant Classification Sherloc (09022015). Collection method: clinical testing. Allele origin: germline.
Comment: The genomic region that is duplicated in this individual is unknown. It could encompass exon 14 of the PMS2 gene or exon 5 of the PMS2CL pseudogene. The position of the duplicated region in the genome also cannot be determined from these data. Until the location of this duplication can be resolved, the clinical significance of this event remains uncertain. It has been classified as a Variant of Uncertain Significance.